The following is an entry in ClinVar:

ClinVar aggregate classification (germline): Uncertain significance (1 of 4 stars; one submission).

Allele frequency attached by ClinVar (database versions not stated): gnomAD exomes 0.00002 and 0.00001; ExAC 0.00003; gnomAD 0.00004 and 0.00005; TOPMed 0.00004; ESP Exome Variant Server 0.00008.
gnomAD v4.1: 18 of 1,613,942 alleles (0.0011%); highest among the groups gnomAD compares: African/African-American, 0.011%; no homozygotes.

Submission:

Labcorp Genetics (formerly Invitae), Labcorp
Classification: Uncertain significance. Last evaluated: 2024-08-08. Review status: criteria provided, single submitter. Criteria: Invitae Variant Classification Sherloc (09022015). Collection method: clinical testing. Allele origin: germline.
Comment: This sequence change replaces threonine, which is neutral and polar, with methionine, which is neutral and non-polar, at codon 1051 of the MTOR protein (p.Thr1051Met). This variant is present in population databases (rs140743545, gnomAD 0.02%). This variant has not been reported in the literature in individuals affected with MTOR-related conditions. ClinVar contains an entry for this variant (Variation ID: 1014078). Advanced modeling of protein sequence and biophysical properties (such as structural, functional, and spatial information, amino acid conservation, physicochemical variation, residue mobility, and thermodynamic stability) performed at Invitae indicates that this missense variant is not expected to disrupt MTOR protein function with a negative predictive value of 95%. In summary, the available evidence is currently insufficient to determine the role of this variant in disease. Therefore, it has been classified as a Variant of Uncertain Significance.

NM_004958.4(MTOR):c.3152C>T (p.Thr1051Met)

Gene: MTOR (mechanistic target of rapamycin kinase; minus strand). Cytogenetic location: 1p36.22.
Variant type: single nucleotide variant.
Coding change: c.3152C>T on transcript NM_004958.4 (MANE Select); coding-DNA position 3152, C replaced by T.
Protein change: p.Thr1051Met; replaces threonine 1051 with methionine.
Molecular consequence: missense variant.
Genome position (GRCh38, 1-based): chr1:11,213,532, G>A on the plus strand (C>T on the coding strand, the complement: MTOR is on the minus strand). VCF-style: chr1-11213532-G-A. GRCh37 (hg19) VCF-style: chr1-11273589-G-A.
Other names: short protein forms T1051M.
Identifiers: ClinVar variation 1014078 (VCV001014078.8), dbSNP rs140743545, ClinGen allele CA590293.
Genomic context (GRCh38, chr1:11,213,532, plus strand): 5'-AGGTAGAGCTTAAATTCACCCCCAAGAGCTACCACAATTTGCTCAATGAGAAGAATGATC[G>A]TGCTCTGAATTGAGGTGTTCATGACCCAGAATTCCTACAAAGAGAGAAAAGTCAGAGGAG-3'
Protein context (NP_004949.1, residues 1041-1061): FWVMNTSIQS[Thr1051Met]IILLIEQIVV